The following is an entry in ClinVar:

ClinVar aggregate classification (germline): Uncertain significance. Review status: criteria provided, multiple submitters, no conflicts (2 of 4 stars). 3 submissions from 3 submitters: Uncertain significance (3). Last evaluated 2026-03-25.

Conditions:
Inborn genetic diseases. Identifiers: MedGen C0950123, MeSH D030342.

Allele frequency attached by ClinVar (database versions not stated): gnomAD 0.00007 and 0.00008; ESP Exome Variant Server 0.00038; gnomAD exomes 0.00003 and 0.00006; ExAC 0.00004; TOPMed 0.00006.
gnomAD v4.1: 96 of 1,613,932 alleles (0.0059%); highest among the groups gnomAD compares: Non-Finnish European, 0.0081%; no homozygotes.

Submissions (3):

GeneDx
Classification: Uncertain significance. Last evaluated: 2026-03-25. Review status: criteria provided, single submitter. Criteria: GeneDx Variant Classification Process June 2021. Collection method: clinical testing. Allele origin: germline.
Comment: Not observed at significant frequency in large population cohorts (gnomAD); In silico analysis supports that this missense variant has a deleterious effect on protein structure/function; Has not been previously published as pathogenic or benign to our knowledge

Ambry Genetics
Classification: Uncertain significance for Inborn genetic diseases. Last evaluated: 2023-12-09. Review status: criteria provided, single submitter. Criteria: Ambry Variant Classification Scheme 2023. Collection method: clinical testing. Allele origin: germline.

Labcorp Genetics (formerly Invitae), Labcorp
Classification: Uncertain significance. Last evaluated: 2023-05-08. Review status: criteria provided, single submitter. Criteria: Invitae Variant Classification Sherloc (09022015). Collection method: clinical testing. Allele origin: germline.
Comment: In summary, the available evidence is currently insufficient to determine the role of this variant in disease. Therefore, it has been classified as a Variant of Uncertain Significance. Advanced modeling of protein sequence and biophysical properties (such as structural, functional, and spatial information, amino acid conservation, physicochemical variation, residue mobility, and thermodynamic stability) performed at Invitae indicates that this missense variant is expected to disrupt MGME1 protein function. ClinVar contains an entry for this variant (Variation ID: 1435462). This variant has not been reported in the literature in individuals affected with MGME1-related conditions. This variant is present in population databases (rs141266045, gnomAD 0.008%). This sequence change replaces leucine, which is neutral and non-polar, with proline, which is neutral and non-polar, at codon 236 of the MGME1 protein (p.Leu236Pro).

NM_052865.4(MGME1):c.707T>C (p.Leu236Pro)

Gene: MGME1 (mitochondrial genome maintenance exonuclease 1; plus strand). Cytogenetic location: 20p11.23.
Variant type: single nucleotide variant.
Coding change: c.707T>C on transcript NM_052865.4 (MANE Select); coding-DNA position 707, T replaced by C.
Protein change: p.Leu236Pro; replaces leucine 236 with proline.
Molecular consequence: missense variant. On other transcripts: intron variant (1).
Genome position (GRCh38, 1-based): chr20:17,975,879, T>C. VCF-style: chr20-17975879-T-C. GRCh37 (hg19) VCF-style: chr20-17956522-T-C.
Other names: c.752T>C, p.Leu251Pro (NM_001310338.2); c.467T>C, p.Leu156Pro (NM_001363738.2); c.511+5509T>C (NM_001310339.2); c.707T>C (NM_052865.2); short protein forms L156P, L236P, L251P.
Identifiers: ClinVar variation 1435462 (VCV001435462.6), dbSNP rs141266045, ClinGen allele CA9774999.